The following is an entry in ClinVar:

NM_001170700.3(DTHD1):c.2668G>A (p.Glu890Lys)

Gene: DTHD1 (death domain containing 1; plus strand). Cytogenetic location: 4p14.
Variant type: single nucleotide variant.
Coding change: c.2668G>A on transcript NM_001170700.3 (MANE Select); coding-DNA position 2668, G replaced by A.
Protein change: p.Glu890Lys; replaces glutamic acid 890 with lysine.
Molecular consequence: missense variant. On other transcripts: synonymous variant (1), non-coding transcript variant (2).
Genome position (GRCh38, 1-based): chr4:36,343,771, G>A. VCF-style: chr4-36343771-G-A. GRCh37 (hg19) VCF-style: chr4-36345393-G-A.
Other names: c.1798G>A, p.Glu600Lys (NM_001136536.5); c.1677G>A, p.Gly559= (NM_001378435.1); c.2293G>A (NM_001170700.1); short protein forms E890K, E600K.
Identifiers: ClinVar variation 947272 (VCV000947272.11), dbSNP rs752511379, ClinGen allele CA2885761.

ClinVar aggregate classification (germline): Uncertain significance. Review status: criteria provided, multiple submitters, no conflicts (2 of 4 stars). 3 submissions from 3 submitters: Uncertain significance (3). Last evaluated 2025-04-08.

Allele frequency attached by ClinVar (database versions not stated): gnomAD 0.00004 and 0.00006; TOPMed 0.00005; gnomAD exomes 0.00007 and 0.00011; ExAC 0.00016.
gnomAD v4.1: 106 of 1,551,276 alleles (0.0068%); highest among the groups gnomAD compares: Middle Eastern, 0.067%; no homozygotes.

Submissions (3):

Ambry Genetics
Classification: Uncertain significance. Last evaluated: 2025-04-08. Review status: criteria provided, single submitter. Criteria: Ambry Variant Classification Scheme 2023. Collection method: clinical testing. Allele origin: germline.

Labcorp Genetics (formerly Invitae), Labcorp
Classification: Uncertain significance. Last evaluated: 2025-03-17. Review status: criteria provided, single submitter. Criteria: Invitae Variant Classification Sherloc (09022015). Collection method: clinical testing. Allele origin: germline.
Comment: This sequence change replaces glutamic acid, which is acidic and polar, with lysine, which is basic and polar, at codon 600 of the DTHD1 protein (p.Glu600Lys). This variant is present in population databases (rs752511379, gnomAD 0.06%). This variant has not been reported in the literature in individuals affected with DTHD1-related conditions. ClinVar contains an entry for this variant (Variation ID: 947272). An algorithm developed to predict the effect of missense changes on protein structure and function (PolyPhen-2) suggests that this variant is likely to be tolerated. In summary, the available evidence is currently insufficient to determine the role of this variant in disease. Therefore, it has been classified as a Variant of Uncertain Significance.

Blueprint Genetics
Classification: Uncertain significance. Last evaluated: 2024-11-19. Review status: criteria provided, single submitter. Criteria: ACMG Guidelines, 2015. Collection method: clinical testing. Allele origin: germline.